The following is an entry in ClinVar:

ClinVar aggregate classification (germline): Uncertain significance (1 of 4 stars; one submission).

Submission:

GeneDx
Classification: Uncertain significance. Last evaluated: 2024-12-20. Review status: criteria provided, single submitter. Criteria: GeneDx Variant Classification Process June 2021. Collection method: clinical testing. Allele origin: germline. Affected: yes.
Comment: Not observed at significant frequency in large population cohorts (gnomAD); In silico analysis supports that this missense variant has a deleterious effect on protein structure/function; Has not been previously published as pathogenic or benign to our knowledge

NM_005334.3(HCFC1):c.391G>A (p.Gly131Arg)

Gene: HCFC1 (host cell factor C1; minus strand). Cytogenetic location: Xq28.
Variant type: single nucleotide variant.
Coding change: c.391G>A on transcript NM_005334.3 (MANE Select); coding-DNA position 391, G replaced by A.
Protein change: p.Gly131Arg; replaces glycine 131 with arginine.
Molecular consequence: missense variant.
Genome position (GRCh38, 1-based): chrX:153,964,236, C>T on the plus strand (G>A on the coding strand, the complement: HCFC1 is on the minus strand). VCF-style: chrX-153964236-C-T. GRCh37 (hg19) VCF-style: chrX-153229687-C-T.
Other names: c.391G>A, p.Gly131Arg (NM_001410705.1); short protein forms G131R.
Identifiers: ClinVar variation 3906321 (VCV003906321.1).